The following is an entry in ClinVar:

NM_003400.4(XPO1):c.1813G>A (p.Gly605Arg)

Gene: XPO1 (exportin 1; minus strand). Cytogenetic location: 2p15.
Variant type: single nucleotide variant.
Coding change: c.1813G>A on transcript NM_003400.4 (MANE Select); coding-DNA position 1813, G replaced by A.
Protein change: p.Gly605Arg; replaces glycine 605 with arginine.
Molecular consequence: missense variant.
Genome position (GRCh38, 1-based): chr2:61,492,109, C>T on the plus strand (G>A on the coding strand, the complement: XPO1 is on the minus strand). VCF-style: chr2-61492109-C-T. GRCh37 (hg19) VCF-style: chr2-61719244-C-T.
Other names: c.1813G>A, p.Gly605Arg (NM_001410799.1); short protein forms G605R.
Identifiers: ClinVar variation 4076617 (VCV004076617.1).

ClinVar aggregate classification (germline): Uncertain significance (1 of 4 stars; one submission).

Submission:

GeneDx
Classification: Uncertain significance. Last evaluated: 2022-09-07. Review status: criteria provided, single submitter. Criteria: GeneDx Variant Classification Process June 2021. Collection method: clinical testing. Allele origin: germline. Affected: yes.
Comment: Variants in candidate genes are classified as variants of uncertain significance in accordance with ACMG guidelines (Richards et al., 2015); In silico analysis supports that this missense variant has a deleterious effect on protein structure/function; Not observed at significant frequency in large population cohorts (gnomAD); Has not been previously published as pathogenic or benign to our knowledge